The following is an entry in ClinVar:

NM_020975.6(RET):c.2920G>A (p.Asp974Asn)

Gene: RET (ret proto-oncogene; plus strand). Cytogenetic location: 10q11.21.
Variant type: single nucleotide variant.
Coding change: c.2920G>A on transcript NM_020975.6 (MANE Select); coding-DNA position 2920, G replaced by A.
Protein change: p.Asp974Asn; replaces aspartic acid 974 with asparagine.
Molecular consequence: missense variant.
Genome position (GRCh38, 1-based): chr10:43,123,789, G>A. VCF-style: chr10-43123789-G-A. GRCh37 (hg19) VCF-style: chr10-43619237-G-A.
Other names: c.2632G>A, p.Asp878Asn (NM_001406770.1, NM_001406766.1, NM_001406767.1); c.2482G>A, p.Asp828Asn (NM_001406771.1, NM_001406773.1); c.2524G>A, p.Asp842Asn (NM_001406772.1, NM_001406769.1); c.2395G>A, p.Asp799Asn (NM_001406774.1); c.2194G>A, p.Asp732Asn (NM_001406775.1, NM_001406776.1, NM_001406777.1 and 1 more transcripts); c.2023G>A, p.Asp675Asn (NM_001406779.1, NM_001406780.1, NM_001406781.1 and 1 more transcripts); c.1735G>A, p.Asp579Asn (NM_001406789.1, NM_001406790.1, NM_001406788.1); c.1615G>A, p.Asp539Asn (NM_001406791.1); and 10 more; short protein forms D630N, D635N, D886N, D491N, D579N, D644N, D732N, D799N.
Identifiers: ClinVar variation 3944725 (VCV003944725.2).

ClinVar aggregate classification (germline): Uncertain significance (1 of 4 stars; one submission).

Conditions:
Hereditary cancer-predisposing syndrome. Also called: Hereditary Cancer Syndrome; Hereditary neoplastic syndrome; Neoplastic Syndromes, Hereditary; Tumor predisposition. Identifiers: Orphanet 140162, MedGen C0027672, MeSH D009386, MONDO:0015356.

Submission:

Ambry Genetics
Classification: Uncertain significance for Hereditary cancer-predisposing syndrome. Last evaluated: 2026-09-11. Review status: criteria provided, single submitter. Criteria: Ambry Variant Classification Scheme 2023. Collection method: clinical testing. Allele origin: germline.
Comment: The p.D974N variant (also known as c.2920G>A), located in coding exon 17 of the RET gene, results from a G to A substitution at nucleotide position 2920. The aspartic acid at codon 974 is replaced by asparagine, an amino acid with highly similar properties. This amino acid position is conserved. In addition, this alteration is predicted to be tolerated by in silico analysis. Based on the available evidence, the clinical significance of this variant remains unclear.